The following is an entry in ClinVar:

NM_005585.5(SMAD6):c.736_755dup (p.Asp255fs)

Gene: SMAD6 (SMAD family member 6; plus strand). Cytogenetic location: 15q22.31.
Variant type: Duplication.
Coding change: c.736_755dup on transcript NM_005585.5 (MANE Select); coding-DNA positions 736 to 755, 20 bases duplicated (GGCTGCCACAGCTTCGCCGC).
Protein change: p.Asp255fs; shifts the reading frame from aspartic acid 255.
Molecular consequence: frameshift variant. On other transcripts: non-coding transcript variant (1).
Genome position (GRCh38, 1-based): chr15:66,703,994-66,704,013, GGCTGCCACAGCTTCGCCGC duplicated; duplicating any 20 consecutive bases within chr15:66,703,992-66,704,013 gives the same sequence; the c. name uses the placement nearest the transcript's 3' end. VCF-style (leftmost placement, unchanged base first): chr15-66703991-T-TGCGGCTGCCACAGCTTCGCC. GRCh37 (hg19) VCF-style: chr15-66996329-T-TGCGGCTGCCACAGCTTCGCC.
Other names: short protein forms D255fs.
Identifiers: ClinVar variation 2695205 (VCV002695205.3), dbSNP rs2545313047, ClinGen allele CA2697549146.

ClinVar aggregate classification (germline): Uncertain significance (1 of 4 stars; one submission).

Conditions:
Aortic valve disease 2 (AOVD2). Identifiers: MedGen C3542024, MONDO:0013902, OMIM 614823.

Submission:

Labcorp Genetics (formerly Invitae), Labcorp
Classification: Uncertain significance for Aortic valve disease 2. Last evaluated: 2023-11-19. Review status: criteria provided, single submitter. Criteria: Invitae Variant Classification Sherloc (09022015). Collection method: clinical testing. Allele origin: germline.
Comment: This sequence change results in a frameshift in the SMAD6 gene (p.Asp255Thrfs*291). While this is not anticipated to result in nonsense mediated decay, it is expected to disrupt the last 242 amino acid(s) of the SMAD6 protein and extend the protein by 48 additional amino acid residues. This variant is not present in population databases (gnomAD no frequency). This variant has not been reported in the literature in individuals affected with SMAD6-related conditions. In summary, the available evidence is currently insufficient to determine the role of this variant in disease. Therefore, it has been classified as a Variant of Uncertain Significance.